The following is an entry in ClinVar:

NM_004525.3(LRP2):c.8318C>T (p.Ala2773Val)

Gene: LRP2 (LDL receptor related protein 2; minus strand). Cytogenetic location: 2q31.1.
Variant type: single nucleotide variant.
Coding change: c.8318C>T on transcript NM_004525.3 (MANE Select); coding-DNA position 8318, C replaced by T.
Protein change: p.Ala2773Val; replaces alanine 2773 with valine.
Molecular consequence: missense variant.
Genome position (GRCh38, 1-based): chr2:169,201,762, G>A on the plus strand (C>T on the coding strand, the complement: LRP2 is on the minus strand). VCF-style: chr2-169201762-G-A. GRCh37 (hg19) VCF-style: chr2-170058272-G-A.
Other names: short protein forms A2773V.
Identifiers: ClinVar variation 1434249 (VCV001434249.8), dbSNP rs1430531407, ClinGen allele CA349165502.

ClinVar aggregate classification (germline): Uncertain significance (1 of 4 stars; one submission).

Allele frequency attached by ClinVar (database versions not stated): TOPMed below 0.00001; gnomAD 0.00001.

Submission:

Labcorp Genetics (formerly Invitae), Labcorp
Classification: Uncertain significance. Last evaluated: 2021-03-18. Review status: criteria provided, single submitter. Criteria: Invitae Variant Classification Sherloc (09022015). Collection method: clinical testing. Allele origin: germline.
Comment: In summary, the available evidence is currently insufficient to determine the role of this variant in disease. Therefore, it has been classified as a Variant of Uncertain Significance. Algorithms developed to predict the effect of sequence changes on RNA splicing suggest that this variant may create or strengthen a splice site, but this prediction has not been confirmed by published transcriptional studies. Advanced modeling of protein sequence and biophysical properties (such as structural, functional, and spatial information, amino acid conservation, physicochemical variation, residue mobility, and thermodynamic stability) performed at Invitae indicates that this missense variant is not expected to disrupt LRP2 protein function. This variant has not been reported in the literature in individuals with LRP2-related conditions. This variant is not present in population databases (ExAC no frequency). This sequence change replaces alanine with valine at codon 2773 of the LRP2 protein (p.Ala2773Val). The alanine residue is moderately conserved and there is a small physicochemical difference between alanine and valine.